The following is an entry in ClinVar:

ClinVar aggregate classification (germline): Pathogenic (1 of 4 stars; one submission).

Conditions:
Dystonia 12 (DYT12). Also called: DYT-ATP1A3; Rapid-Onset Dystonia-Parkinsonism (RDP). Identifiers: Orphanet 71517, MedGen C1868681, MONDO:0007496, OMIM 128235.

Submission:

Labcorp Genetics (formerly Invitae), Labcorp
Classification: Pathogenic for Dystonia 12. Last evaluated: 2019-10-12. Review status: criteria provided, single submitter. Criteria: Invitae Variant Classification Sherloc (09022015). Collection method: clinical testing. Allele origin: germline.
Comment: For these reasons, this variant has been classified as Pathogenic. This variant disrupts the p.Ser137 amino acid residue in ATP1A3. Other variant(s) that disrupt this residue have been determined to be pathogenic (PMID: 22842232, 26297560, 26410222). This suggests that this residue is clinically significant, and that variants that disrupt this residue are likely to be disease-causing. This variant has been reported to affect ATP1A3 protein function (PMID: 24631656). This variant has been observed in individual(s) affected with alternating hemiplegia of childhood (AHC) (PMID: 22842232, 24842602, 24431296). In at least one individual the variant was observed to be de novo. ClinVar contains an entry for this variant (Variation ID: 161121). This variant is not present in population databases (ExAC no frequency). This sequence change replaces serine with tyrosine at codon 137 of the ATP1A3 protein (p.Ser137Tyr). The serine residue is moderately conserved and there is a large physicochemical difference between serine and tyrosine.

Literature cited by the submitters: PubMed 22842232; PubMed 26297560; PubMed 26410222; PubMed 24631656; PubMed 24842602; PubMed 24431296.

NM_152296.5(ATP1A3):c.410C>A (p.Ser137Tyr)

Gene: ATP1A3 (ATPase Na+/K+ transporting subunit alpha 3; minus strand). Cytogenetic location: 19q13.2.
Variant type: single nucleotide variant.
Coding change: c.410C>A on transcript NM_152296.5 (MANE Select); coding-DNA position 410, C replaced by A.
Protein change: p.Ser137Tyr; replaces serine 137 with tyrosine.
Molecular consequence: missense variant.
Genome position (GRCh38, 1-based): chr19:41,986,177, G>T on the plus strand (C>A on the coding strand, the complement: ATP1A3 is on the minus strand). VCF-style: chr19-41986177-G-T. GRCh37 (hg19) VCF-style: chr19-42490329-G-T.
Other names: c.443C>A, p.Ser148Tyr (NM_001256213.2); c.449C>A, p.Ser150Tyr (NM_001256214.2); short protein forms S137Y, S150Y, S148Y.
Identifiers: ClinVar variation 161121 (VCV000161121.12), dbSNP rs542652468, ClinGen allele CA345997.